The following is an entry in ClinVar:

ClinVar aggregate classification (germline): Uncertain significance (1 of 4 stars; one submission).

Conditions:
Familial thoracic aortic aneurysm and aortic dissection (TAAD). Also called: Thoracic aortic aneurysms and dissections. Identifiers: Orphanet 91387, MedGen C4707243, MONDO:0019625.

Submission:

Color Diagnostics, LLC DBA Color Health
Classification: Uncertain significance for Familial thoracic aortic aneurysm and aortic dissection. Last evaluated: 2024-03-06. Review status: criteria provided, single submitter. Criteria: ACMG Guidelines, 2015. Collection method: clinical testing. Allele origin: germline.
Comment: This missense variant replaces lysine with arginine at codon 1094 of the COL3A1 protein. Computational prediction is inconclusive regarding the impact of this variant on protein structure and function (internally defined REVEL score threshold 0.5 < inconclusive < 0.7, PMID: 27666373). To our knowledge, functional studies have not been reported for this variant. This variant has not been reported in individuals affected with cardiovascular disorders in the literature. This variant has not been identified in the general population by the Genome Aggregation Database (gnomAD). The available evidence is insufficient to determine the role of this variant in disease conclusively. Therefore, this variant is classified as a Variant of Uncertain Significance.

NM_000090.4(COL3A1):c.3281A>G (p.Lys1094Arg)

Gene: COL3A1 (collagen type III alpha 1 chain; plus strand). Cytogenetic location: 2q32.2.
Variant type: single nucleotide variant.
Coding change: c.3281A>G on transcript NM_000090.4 (MANE Select); coding-DNA position 3281, A replaced by G.
Protein change: p.Lys1094Arg; replaces lysine 1094 with arginine.
Molecular consequence: missense variant.
Genome position (GRCh38, 1-based): chr2:189,007,525, A>G. VCF-style: chr2-189007525-A-G. GRCh37 (hg19) VCF-style: chr2-189872251-A-G.
Other names: short protein forms K1094R.
Identifiers: ClinVar variation 1172048 (VCV001172048.3), dbSNP rs2153503892, ClinGen allele CA349845636.